The following is an entry in ClinVar:

NM_015047.3(EMC1):c.2673-5T>G

Genes: EMC1 (ER membrane protein complex subunit 1; minus strand), EMC1-AS1 (EMC1 antisense RNA 1; plus strand). Cytogenetic location: 1p36.13.
Variant type: single nucleotide variant.
Coding change: c.2673-5T>G on transcript NM_015047.3 (MANE Select); 5 bases into the intron before coding-DNA position 2673, T replaced by G.
Molecular consequence: intron variant.
Genome position (GRCh38, 1-based): chr1:19,219,703, A>C on the plus strand (T>G on the coding strand, the complement: EMC1 is on the minus strand). VCF-style: chr1-19219703-A-C. GRCh37 (hg19) VCF-style: chr1-19546197-A-C.
Other names: c.2607-5T>G (NM_001271429.2); c.2670-5T>G (NM_001271427.2, NM_001271428.2); c.2679-5T>G (NM_001375821.1); c.2682-5T>G (NM_001375820.1).
Identifiers: ClinVar variation 1389977 (VCV001389977.6), dbSNP rs747982066, ClinGen allele CA652178.

ClinVar aggregate classification (germline): Uncertain significance (1 of 4 stars; one submission).

Allele frequency attached by ClinVar (database versions not stated): gnomAD exomes below 0.00001; ExAC 0.00001; TOPMed below 0.00001.

Submission:

Labcorp Genetics (formerly Invitae), Labcorp
Classification: Uncertain significance. Last evaluated: 2025-09-02. Review status: criteria provided, single submitter. Criteria: Invitae Variant Classification Sherloc (09022015). Collection method: clinical testing. Allele origin: germline.
Comment: This sequence change falls in intron 21 of the EMC1 gene. It does not directly change the encoded amino acid sequence of the EMC1 protein. This variant is not present in population databases (gnomAD no frequency). This variant has not been reported in the literature in individuals affected with EMC1-related conditions. ClinVar contains an entry for this variant (Variation ID: 1389977). Algorithms developed to predict the effect of sequence changes on RNA splicing suggest that this variant may disrupt the consensus splice site. In summary, the available evidence is currently insufficient to determine the role of this variant in disease. Therefore, it has been classified as a Variant of Uncertain Significance.